The following is an entry in ClinVar:

ClinVar aggregate classification (germline): Uncertain significance (1 of 4 stars; one submission).

Conditions:
Hereditary hemochromatosis (HFE). Identifiers: MedGen C0392514, MONDO:0006507. Disease mechanism: loss of function.

Submission:

Labcorp Genetics (formerly Invitae), Labcorp
Classification: Uncertain significance for Hereditary hemochromatosis. Last evaluated: 2021-08-12. Review status: criteria provided, single submitter. Criteria: Invitae Variant Classification Sherloc (09022015). Collection method: clinical testing. Allele origin: germline.
Comment: This variant is a gross deletion of the genomic region encompassing exon(s) 10 of the TFR2 gene. This variant would be expected to be in-frame, preserving the integrity of the reading frame. This variant has not been reported in the literature in individuals affected with TFR2-related conditions. Experimental studies and prediction algorithms are not available or were not evaluated, and the functional significance of this variant is currently unknown. In summary, the available evidence is currently insufficient to determine the role of this variant in disease. Therefore, it has been classified as a Variant of Uncertain Significance.

NC_000007.13:g.(?_100226866)_(100227005_?)del

Gene: TFR2 (transferrin receptor 2; minus strand). Cytogenetic location: 7q22.1.
Variant type: Deletion.
Identifiers: ClinVar variation 2424656 (VCV002424656.3).